The following is an entry in ClinVar:

NM_001257293.2(HNRNPH1):c.301G>A (p.Gly101Ser)

Genes: HNRNPH1 (heterogeneous nuclear ribonucleoprotein H1; minus strand), LOC128966623 (uncharacterized LOC128966623; plus strand). Cytogenetic location: 5q35.3.
Variant type: single nucleotide variant.
Coding change: c.301G>A on transcript NM_001257293.2 (MANE Select); coding-DNA position 301, G replaced by A.
Protein change: p.Gly101Ser; replaces glycine 101 with serine.
Molecular consequence: missense variant. On other transcripts: 5 prime UTR variant (7).
Genome position (GRCh38, 1-based): chr5:179,620,988, C>T on the plus strand (G>A on the coding strand, the complement: HNRNPH1 is on the minus strand). VCF-style: chr5-179620988-C-T. GRCh37 (hg19) VCF-style: chr5-179047989-C-T.
Other names: c.301G>A, p.Gly101Ser (NM_001363572.2, NM_001364225.2, NM_001364226.2 and 39 more transcripts); c.145G>A, p.Gly49Ser (NM_001364250.2); c.-164G>A (NM_001364251.2, NM_001364252.2, NM_001364253.2 and 4 more transcripts); c.70G>A, p.Gly24Ser (NM_001395190.1); short protein forms G101S, G24S, G49S.
Identifiers: ClinVar variation 3360585 (VCV003360585.1).

ClinVar aggregate classification (germline): Uncertain significance (1 of 4 stars; one submission).

Submission:

GeneDx
Classification: Uncertain significance. Last evaluated: 2023-07-03. Review status: criteria provided, single submitter. Criteria: GeneDx Variant Classification Process June 2021. Collection method: clinical testing. Allele origin: germline. Affected: yes.
Comment: Not observed at significant frequency in large population cohorts (gnomAD); In silico analysis supports that this missense variant has a deleterious effect on protein structure/function; Has not been previously published as pathogenic or benign to our knowledge